The following is an entry in ClinVar:

NM_014363.6(SACS):c.7990G>A (p.Gly2664Arg)

Gene: SACS (sacsin molecular chaperone; minus strand). Cytogenetic location: 13q12.12.
Variant type: single nucleotide variant.
Coding change: c.7990G>A on transcript NM_014363.6 (MANE Select); coding-DNA position 7990, G replaced by A.
Protein change: p.Gly2664Arg; replaces glycine 2664 with arginine.
Molecular consequence: missense variant.
Genome position (GRCh38, 1-based): chr13:23,335,886, C>T on the plus strand (G>A on the coding strand, the complement: SACS is on the minus strand). VCF-style: chr13-23335886-C-T. GRCh37 (hg19) VCF-style: chr13-23910025-C-T.
Other names: c.7549G>A, p.Gly2517Arg (NM_001278055.2); c.7990G>A (NM_014363.4); short protein forms G2517R, G2664R.
Identifiers: ClinVar variation 1694695 (VCV001694695.33), dbSNP rs2137595708, ClinGen allele CA387517627.

ClinVar aggregate classification (germline): Conflicting classifications of pathogenicity. Review status: criteria provided, conflicting classifications (1 of 4 stars). 4 submissions from 4 submitters: Likely pathogenic (1); Uncertain significance (3). Last evaluated 2025-11-27.

Conditions:
Charlevoix-Saguenay spastic ataxia (SACS). Also called: Spastic ataxia of Charlevoix-Saguenay; SPASTIC ATAXIA 6, AUTOSOMAL RECESSIVE; AUTOSOMAL RECESSIVE SPASTIC ATAXIA OF CHARLEVOIX-SAGUENAY. Identifiers: Orphanet 98, MedGen C1849140, MONDO:0010041, OMIM 270550.
Spastic paraplegia. Identifiers: MedGen C0037772, HP:0001258.

gnomAD v4.1: 6 of 1,613,694 alleles (0.00037%); highest among the groups gnomAD compares: Non-Finnish European, 0.00017%; no homozygotes.

Submissions (4):

Labcorp Genetics (formerly Invitae), Labcorp
Classification: Uncertain significance for Spastic paraplegia. Last evaluated: 2025-11-27. Review status: criteria provided, single submitter. Criteria: Invitae Variant Classification Sherloc (09022015). Collection method: clinical testing. Allele origin: germline.
Comment: This sequence change replaces glycine, which is neutral and non-polar, with arginine, which is basic and polar, at codon 2664 of the SACS protein (p.Gly2664Arg). This variant is not present in population databases (gnomAD no frequency). This variant has not been reported in the literature in individuals affected with SACS-related conditions. ClinVar contains an entry for this variant (Variation ID: 1694695). Invitae Evidence Modeling of protein sequence and biophysical properties (such as structural, functional, and spatial information, amino acid conservation, physicochemical variation, residue mobility, and thermodynamic stability) indicates that this missense variant is expected to disrupt SACS protein function with a positive predictive value of 95%. In summary, the available evidence is currently insufficient to determine the role of this variant in disease. Therefore, it has been classified as a Variant of Uncertain Significance.

3billion
Classification: Uncertain significance for Charlevoix-Saguenay spastic ataxia. Last evaluated: 2025-10-07. Review status: criteria provided, single submitter. Criteria: ACMG Guidelines, 2015. Collection method: clinical testing. Allele origin: germline. Affected: yes.
Comment: The variant is observed at an extremely low frequency in the gnomAD v4.1.0 dataset (total allele frequency: <0.001%). Predicted Consequence/Location: Missense variant. The majority of the known disease-causing variants of this gene are variants expected to result in premature termination of the protein. In silico tool predictions suggest damaging effect of the variant on gene or gene product [REVEL: 0.95 (>=0.6, sensitivity 0.68 and specificity 0.92)]. A different missense change at the same codon (p.Gly2664Val) has been reported to be associated with SACS-related disorder (ClinVar ID: VCV000397520). However the evidence of pathogenicity is insufficient at this time. Therefore, this variant is classified as VUS according to the recommendation of ACMG/AMP guideline.

GeneDx
Classification: Likely pathogenic. Last evaluated: 2024-11-04. Review status: criteria provided, single submitter. Criteria: GeneDx Variant Classification Process June 2021. Collection method: clinical testing. Allele origin: germline. Affected: yes.
Comment: Not observed at significant frequency in large population cohorts (gnomAD); In silico analysis supports that this missense variant has a deleterious effect on protein structure/function; Has not been previously published as pathogenic or benign to our knowledge

CeGaT Center for Human Genetics Tuebingen
Classification: Uncertain significance. Last evaluated: 2022-05-01. Review status: criteria provided, single submitter. Criteria: CeGaT Center For Human Genetics Tuebingen Variant Classification Criteria Version 2. Collection method: clinical testing. Allele origin: germline. Affected: yes. Observed: 1 variant allele.
Comment: SACS: PM2, PP3, PP4